The following is an entry in ClinVar:

NM_004341.5(CAD):c.5488A>G (p.Met1830Val)

Gene: CAD (carbamoyl-phosphate synthetase 2, aspartate transcarbamylase, and dihydroorotase; plus strand). Cytogenetic location: 2p23.3.
Variant type: single nucleotide variant.
Coding change: c.5488A>G on transcript NM_004341.5 (MANE Select); coding-DNA position 5488, A replaced by G.
Protein change: p.Met1830Val; replaces methionine 1830 with valine.
Molecular consequence: missense variant.
Genome position (GRCh38, 1-based): chr2:27,239,790, A>G. VCF-style: chr2-27239790-A-G. GRCh37 (hg19) VCF-style: chr2-27462658-A-G.
Other names: c.5299A>G, p.Met1767Val (NM_001306079.2); short protein forms M1830V, M1767V.
Identifiers: ClinVar variation 1032899 (VCV001032899.4), dbSNP rs747817554, ClinGen allele CA1573876.

ClinVar aggregate classification (germline): Uncertain significance. Review status: criteria provided, multiple submitters, no conflicts (2 of 4 stars). 2 submissions from 2 submitters: Uncertain significance (2). Last evaluated 2022-09-13.

Conditions:
Developmental and epileptic encephalopathy, 50 (DEE50). Also called: Epileptic encephalopathy, early infantile, 50. Identifiers: Orphanet 448010, MedGen C4225320, MONDO:0014647, OMIM 616457.

Allele frequency attached by ClinVar (database versions not stated): gnomAD 0.00002 and 0.00006; TOPMed 0.00002; gnomAD exomes 0.00011 and 0.00020; ExAC 0.00021.

Submissions (2):

Labcorp Genetics (formerly Invitae), Labcorp
Classification: Uncertain significance. Last evaluated: 2022-09-13. Review status: criteria provided, single submitter. Criteria: Invitae Variant Classification Sherloc (09022015). Collection method: clinical testing. Allele origin: germline.
Comment: This sequence change replaces methionine, which is neutral and non-polar, with valine, which is neutral and non-polar, at codon 1830 of the CAD protein (p.Met1830Val). This variant is present in population databases (rs747817554, gnomAD 0.2%). This variant has not been reported in the literature in individuals affected with CAD-related conditions. ClinVar contains an entry for this variant (Variation ID: 1032899). Algorithms developed to predict the effect of missense changes on protein structure and function output the following: SIFT: "Tolerated"; PolyPhen-2: "Benign"; Align-GVGD: "Class C0". The valine amino acid residue is found in multiple mammalian species, which suggests that this missense change does not adversely affect protein function. Algorithms developed to predict the effect of sequence changes on RNA splicing suggest that this variant may create or strengthen a splice site. In summary, the available evidence is currently insufficient to determine the role of this variant in disease. Therefore, it has been classified as a Variant of Uncertain Significance.

Baylor Genetics
Classification: Uncertain significance for Developmental and epileptic encephalopathy, 50. Last evaluated: 2018-01-13. Review status: criteria provided, single submitter. Criteria: ACMG Guidelines, 2015. Collection method: clinical testing. Allele origin: paternal. Affected: yes.
Comment: This variant was determined to be of uncertain significance according to ACMG Guidelines, 2015 [PMID:25741868].